The following is an entry in ClinVar:

ClinVar aggregate classification (germline): Pathogenic. Review status: criteria provided, multiple submitters, no conflicts (2 of 4 stars). 2 submissions from 2 submitters: Pathogenic (2). Last evaluated 2018-01-01.

Conditions:
Cardiovascular phenotype. Identifiers: MedGen CN230736.
Telangiectasia, hereditary hemorrhagic, type 2 (HHT2). Also called: Telangiectasia, hereditary hemorrhagic, type II; ACVRL1-Related Hereditary Hemorrhagic Telangiectasia. Identifiers: Orphanet 774, MedGen C1838163, MONDO:0010880, OMIM 600376. Disease mechanism: loss of function.

Submissions (2):

NIHR Bioresource Rare Diseases, University of Cambridge
Classification: Pathogenic for Telangiectasia, hereditary hemorrhagic, type 2. Last evaluated: 2018-01-01. Review status: criteria provided, single submitter. Criteria: ACMG Guidelines, 2015. Collection method: research. Allele origin: unknown. Affected: yes. Observed: 1 variant allele.
Comment: PVS1+PM2+PP4

Ambry Genetics
Classification: Pathogenic for Cardiovascular phenotype. Last evaluated: 2014-07-15. Review status: criteria provided, single submitter. Criteria: Ambry Variant Classification Scheme 2023. Collection method: clinical testing. Allele origin: germline.
Comment: The c.139dupC pathogenic mutation, located in coding exon 2 of the ACVRL1 gene, results from a duplication of C at nucleotide position 139, causing a translational frameshift with a predicted alternate stop codon (p.R47Pfs*122). This pathogenic mutation was first reported in an individual with severe epistaxis, telangiectasias, and a family history consistent with HHT (Bossler AD et al. Hum Mutat. 2006;27(7):667-75). In addition to the clinical data presented in the literature, since frameshifts are typically deleterious in nature, this alteration is interpreted as a disease-causing mutation (ACMG Recommendations for Standards for Interpretation and Reporting of Sequence Variations. Revision 2007. Genet Med. 2008;10:294).

Literature cited by the submitters: PubMed 32573726 (cited by NIHR Bioresource Rare Diseases, University of Cambridge); PubMed 16752392 (cited by Ambry Genetics).

NM_000020.3(ACVRL1):c.139dup (p.Arg47fs)

Gene: ACVRL1 (activin A receptor like type 1; plus strand). Cytogenetic location: 12q13.13.
Variant type: Duplication.
Coding change: c.139dup on transcript NM_000020.3 (MANE Select); coding-DNA position 139, one base duplicated (C; older notation c.139dupC).
Protein change: p.Arg47fs; shifts the reading frame from arginine 47.
Molecular consequence: frameshift variant.
Genome position (GRCh38, 1-based): chr12:51,913,176, C duplicated; the last of 2 consecutive C bases (chr12:51,913,175-51,913,176); duplicating either gives the same sequence. VCF-style (leftmost placement, unchanged base first): chr12-51913174-G-GC. GRCh37 (hg19) VCF-style: chr12-52306958-G-GC.
Other names: c.139dup, p.Arg47fs (NM_001077401.2); short protein forms R47fs.
Identifiers: ClinVar variation 982450 (VCV000982450.3), dbSNP rs1940731944, ClinGen allele CA1139662694.